The following is an entry in ClinVar:

NM_173628.4(DNAH17):c.12208C>T (p.Leu4070=)

Gene: DNAH17 (dynein axonemal heavy chain 17; minus strand). Cytogenetic location: 17q25.3.
Variant type: single nucleotide variant.
Coding change: c.12208C>T on transcript NM_173628.4 (MANE Select); coding-DNA position 12208, C replaced by T.
Protein change: p.Leu4070=; no amino-acid change (leucine 4070 retained).
Molecular consequence: synonymous variant.
Genome position (GRCh38, 1-based): chr17:78,434,046, G>A on the plus strand (C>T on the coding strand, the complement: DNAH17 is on the minus strand). VCF-style: chr17-78434046-G-A. GRCh37 (hg19) VCF-style: chr17-76430127-G-A.
Identifiers: ClinVar variation 3047276 (VCV003047276.2), dbSNP rs9889397, ClinGen allele CA8800157.

ClinVar aggregate classification (germline): Likely benign (0 of 4 stars; one submission).

Conditions:
DNAH17-related disorder. Also called: DNAH17-related condition.

Allele frequency attached by ClinVar (database versions not stated): gnomAD exomes 0.00007; ExAC 0.00013; ESP Exome Variant Server 0.00031; TOPMed 0.00043; gnomAD 0.00044; 1000 Genomes Project 30x 0.00078; 1000 Genomes Project 0.00100.
gnomAD v4.1: 184 of 1,610,384 alleles (0.011%); highest among the groups gnomAD compares: African/African-American, 0.19%; no homozygotes.

Submission:

PreventionGenetics, part of Exact Sciences
Classification: Likely benign for DNAH17-related condition. Last evaluated: 2019-04-11. Review status: no assertion criteria provided. Collection method: clinical testing. Allele origin: germline.
Comment: This variant is classified as likely benign based on ACMG/AMP sequence variant interpretation guidelines (Richards et al. 2015 PMID: 25741868, with internal and published modifications).